The following is an entry in ClinVar:

ClinVar aggregate classification (germline): Pathogenic/Likely pathogenic. Review status: criteria provided, multiple submitters, no conflicts (2 of 4 stars). 2 submissions from 2 submitters: Pathogenic (1); Likely pathogenic (1). Last evaluated 2024-04-13.

Conditions:
Ehlers-Danlos syndrome, classic type, 1 (EDSCL1). Also called: EDS I; EHLERS-DANLOS SYNDROME, GRAVIS TYPE; EHLERS-DANLOS SYNDROME, SEVERE CLASSIC TYPE; Ehlers-Danlos syndrome, type 1; Ehlers-Danlos Syndrome, Classic Type, COL5A1-Related. Identifiers: MedGen C0268335, MONDO:0019567, OMIM 130000.

Submissions (2):

Labcorp Genetics (formerly Invitae), Labcorp
Classification: Pathogenic for Ehlers-Danlos syndrome, classic type, 1. Last evaluated: 2024-04-13. Review status: criteria provided, single submitter. Criteria: Invitae Variant Classification Sherloc (09022015). Collection method: clinical testing. Allele origin: germline.
Comment: This sequence change creates a premature translational stop signal (p.Leu674Cysfs*130) in the COL5A1 gene. It is expected to result in an absent or disrupted protein product. Loss-of-function variants in COL5A1 are known to be pathogenic (PMID: 23587214). This variant is not present in population databases (gnomAD no frequency). This variant has not been reported in the literature in individuals affected with COL5A1-related conditions. ClinVar contains an entry for this variant (Variation ID: 2439409). For these reasons, this variant has been classified as Pathogenic.

Revvity Omics, Revvity
Classification: Likely pathogenic. Last evaluated: 2022-02-25. Review status: criteria provided, single submitter. Criteria: ACMG Guidelines, 2015. Collection method: clinical testing. Allele origin: germline.

Literature cited by the submitters: PubMed 23587214 (cited by Labcorp Genetics (formerly Invitae), Labcorp).

NM_000093.5(COL5A1):c.2019del (p.Leu674fs)

Gene: COL5A1 (collagen type V alpha 1 chain; plus strand). Cytogenetic location: 9q34.3.
Variant type: Deletion.
Coding change: c.2019del on transcript NM_000093.5 (MANE Select); coding-DNA position 2019, one base deleted (G; older notation c.2019delG).
Protein change: p.Leu674fs; shifts the reading frame from leucine 674.
Molecular consequence: frameshift variant.
Genome position (GRCh38, 1-based): chr9:134,763,722, G deleted; the last of 5 consecutive G bases (chr9:134,763,718-134,763,722); deleting any one gives the same sequence. VCF-style (leftmost placement, unchanged base first): chr9-134763717-AG-A. GRCh37 (hg19) VCF-style: chr9-137655563-AG-A.
Other names: c.2019del, p.Leu674fs (NM_001278074.1); short protein forms L674fs.
Identifiers: ClinVar variation 2439409 (VCV002439409.5), dbSNP rs2490653678, ClinGen allele CA2580080010.